The following is an entry in ClinVar:

ClinVar aggregate classification (germline): Uncertain significance (1 of 4 stars; one submission).

Allele frequency attached by ClinVar (database versions not stated): gnomAD exomes below 0.00001; ExAC 0.00001.

Submission:

Labcorp Genetics (formerly Invitae), Labcorp
Classification: Uncertain significance. Last evaluated: 2021-07-02. Review status: criteria provided, single submitter. Criteria: Invitae Variant Classification Sherloc (09022015). Collection method: clinical testing. Allele origin: germline.
Comment: This variant has not been reported in the literature in individuals affected with ITGAM-related conditions. Algorithms developed to predict the effect of missense changes on protein structure and function output the following: SIFT: "Deleterious"; PolyPhen-2: "Benign"; Align-GVGD: "Class C55". The threonine amino acid residue is found in multiple mammalian species, which suggests that this missense change does not adversely affect protein function. This variant is present in population databases (rs768218666, ExAC 0.02%). This sequence change replaces alanine with threonine at codon 357 of the ITGAM protein (p.Ala357Thr). The alanine residue is highly conserved and there is a small physicochemical difference between alanine and threonine. In summary, the available evidence is currently insufficient to determine the role of this variant in disease. Therefore, it has been classified as a Variant of Uncertain Significance.

NM_000632.4(ITGAM):c.1069G>A (p.Ala357Thr)

Gene: ITGAM (integrin subunit alpha M; plus strand). Cytogenetic location: 16p11.2.
Variant type: single nucleotide variant.
Coding change: c.1069G>A on transcript NM_000632.4 (MANE Select); coding-DNA position 1069, G replaced by A.
Protein change: p.Ala357Thr; replaces alanine 357 with threonine.
Molecular consequence: missense variant.
Genome position (GRCh38, 1-based): chr16:31,276,730, G>A. VCF-style: chr16-31276730-G-A. GRCh37 (hg19) VCF-style: chr16-31288051-G-A.
Other names: c.1069G>A, p.Ala357Thr (NM_001145808.2); short protein forms A357T.
Identifiers: ClinVar variation 1365228 (VCV001365228.8), dbSNP rs768218666, ClinGen allele CA8025422.